The following is an entry in ClinVar:

ClinVar aggregate classification (germline): Conflicting classifications of pathogenicity. Review status: criteria provided, conflicting classifications (1 of 4 stars). 6 submissions from 6 submitters: Uncertain significance (2); Benign (1); Likely benign (3). Last evaluated 2026-01-31.

Conditions:
Cardiovascular phenotype. Identifiers: MedGen CN230736.
Dilated cardiomyopathy 1DD (CMD1DD). Identifiers: Orphanet 154, MedGen C2750995, MONDO:0013168, OMIM 613172.

Allele frequency attached by ClinVar (database versions not stated): gnomAD 0.00003; gnomAD exomes 0.00003; TOPMed 0.00009; 1000 Genomes Project 0.00040; 1000 Genomes Project 30x 0.00047.
gnomAD v4.1: 89 of 1,551,676 alleles (0.0057%); highest among the groups gnomAD compares: Admixed American, 0.11%; 1 homozygote.

Submissions (6):

Labcorp Genetics (formerly Invitae), Labcorp
Classification: Likely benign for Dilated cardiomyopathy 1DD. Last evaluated: 2026-01-31. Review status: criteria provided, single submitter. Criteria: Invitae Variant Classification Sherloc (09022015). Collection method: clinical testing. Allele origin: germline.

Ambry Genetics
Classification: Uncertain significance for Cardiovascular phenotype. Last evaluated: 2025-09-11. Review status: criteria provided, single submitter. Criteria: Ambry Variant Classification Scheme 2023. Collection method: clinical testing. Allele origin: germline.

Mayo Clinic Laboratories, Mayo Clinic
Classification: Likely benign. Last evaluated: 2025-01-30. Review status: criteria provided, single submitter. Criteria: ACMG Guidelines, 2015. Collection method: clinical testing. Allele origin: germline. Observed: 3 variant alleles.
Comment: BS1, BS3_supporting

GeneDx
Classification: Likely benign. Last evaluated: 2020-02-03. Review status: criteria provided, single submitter. Criteria: GeneDx Variant Classification Process June 2021. Collection method: clinical testing. Allele origin: germline. Affected: yes.
Comment: Reported in one individual with DCM; however, this individual also harbored a variant in the LDB3 gene, and there were not a sufficient number of affected family members to assess segregation with disease (Li et al., 2010); In silico analysis, which includes protein predictors and evolutionary conservation, supports that this variant does not alter protein structure/function; Reported in ClinVar but additional evidence is not available (ClinVar Variant ID# 202044; Landrum et al., 2016); This variant is associated with the following publications: (PMID: 22466703, 20590677, 30547036, 29304022)

Blueprint Genetics
Classification: Uncertain significance. Last evaluated: 2019-10-18. Review status: criteria provided, single submitter. Criteria: ACMG Guidelines, 2015. Collection method: clinical testing. Allele origin: germline.

Mendelics
Classification: Benign for Dilated cardiomyopathy 1DD. Last evaluated: 2019-05-28. Review status: criteria provided, single submitter. Criteria: Mendelics Assertion Criteria 2017. Collection method: clinical testing. Allele origin: unknown.

Literature cited by the submitters: PubMed 20590677 (cited by Mayo Clinic Laboratories, Mayo Clinic); PubMed 22466703 (cited by Mayo Clinic Laboratories, Mayo Clinic); PubMed 35352813 (cited by Mayo Clinic Laboratories, Mayo Clinic); PubMed 35470680 (cited by Mayo Clinic Laboratories, Mayo Clinic).

NM_001134363.3(RBM20):c.1603G>A (p.Val535Ile)

Gene: RBM20 (RNA binding motif protein 20; plus strand). Cytogenetic location: 10q25.2.
Variant type: single nucleotide variant.
Coding change: c.1603G>A on transcript NM_001134363.3 (MANE Select); coding-DNA position 1603, G replaced by A.
Protein change: p.Val535Ile; replaces valine 535 with isoleucine.
Molecular consequence: missense variant.
Genome position (GRCh38, 1-based): chr10:110,797,583, G>A. VCF-style: chr10-110797583-G-A. GRCh37 (hg19) VCF-style: chr10-112557341-G-A.
Other names: p.V535I:GTC>ATC; p.Val535Ile; c.1603G>A (LRG_382t1); short protein forms V535I.
Identifiers: ClinVar variation 202044 (VCV000202044.21), dbSNP rs183007628, ClinGen allele CA335512.
Genomic context (GRCh38, chr10:110,797,583, plus strand): 5'-GGGGCTGGCCGTGTGGTGCACATCTGCAATCTCCCTGAAGGAAGCTGCACTGAGAATGAC[G>A]TCATTAACCTGGGGCTGCCCTTTGGAAAGGTCACTAATTACATCCTCATGAAGTCGACTA-3'
Protein context (NP_001127835.2, residues 525-545): LPEGSCTEND[Val535Ile]INLGLPFGKV